The following is an entry in ClinVar:

ClinVar aggregate classification (germline): Uncertain significance. Review status: criteria provided, multiple submitters, no conflicts (2 of 4 stars). 3 submissions from 3 submitters: Uncertain significance (3). Last evaluated 2024-05-02.

Conditions:
Nephrolithiasis/nephrocalcinosis. Identifiers: MedGen CN580796.
Familial hypocalciuric hypercalcemia (FHH). Also called: Familial benign hypercalcemia. Identifiers: Orphanet 405, MedGen C1809471, MONDO:0018458.
Autosomal dominant hypocalcemia 1 (HYPOC1). Also called: HYPOCALCEMIA, FAMILIAL. Identifiers: MedGen C3715128, MONDO:0011013, OMIM 601198.
Familial hypocalciuric hypercalcemia 1. Also called: Hypercalcemia, familial benign type 1. Identifiers: Orphanet 405, Orphanet 93372, MedGen C0342637, MONDO:0007791, OMIM 145980.
Neonatal severe primary hyperparathyroidism. Identifiers: Orphanet 417, MedGen C1832615, MONDO:0009397, OMIM 239200.
Epilepsy, idiopathic generalized, susceptibility to, 8. Identifiers: MedGen C2752062, MONDO:0013032, OMIM 612899.

Allele frequency attached by ClinVar (database versions not stated): gnomAD 0.00001; gnomAD exomes 0.00001 and 0.00002; TOPMed 0.00001; ExAC 0.00002.
gnomAD v4.1: 15 of 1,614,066 alleles (0.00093%); highest among the groups gnomAD compares: Middle Eastern, 0.016%; no homozygotes.

Submissions (3):

Fulgent Genetics
Classification: Uncertain significance for Familial hypocalciuric hypercalcemia 1; Neonatal severe primary hyperparathyroidism; Autosomal dominant hypocalcemia 1; Epilepsy, idiopathic generalized, susceptibility to, 8. Last evaluated: 2024-05-02. Review status: criteria provided, single submitter. Criteria: ACMG Guidelines, 2015. Collection method: clinical testing. Allele origin: germline.

Labcorp Genetics (formerly Invitae), Labcorp
Classification: Uncertain significance for Familial hypocalciuric hypercalcemia; Autosomal dominant hypocalcemia 1. Last evaluated: 2024-02-17. Review status: criteria provided, single submitter. Criteria: Invitae Variant Classification Sherloc (09022015). Collection method: clinical testing. Allele origin: germline.
Comment: This sequence change replaces threonine, which is neutral and polar, with methionine, which is neutral and non-polar, at codon 993 of the CASR protein (p.Thr993Met). This variant is present in population databases (rs758227966, gnomAD 0.01%). This variant has not been reported in the literature in individuals affected with CASR-related conditions. ClinVar contains an entry for this variant (Variation ID: 463941). Algorithms developed to predict the effect of missense changes on protein structure and function output the following: SIFT: "Not Available"; PolyPhen-2: "Benign"; Align-GVGD: "Not Available". The methionine amino acid residue is found in multiple mammalian species, which suggests that this missense change does not adversely affect protein function. In summary, the available evidence is currently insufficient to determine the role of this variant in disease. Therefore, it has been classified as a Variant of Uncertain Significance.

Ambry Genetics
Classification: Uncertain significance for Nephrolithiasis/nephrocalcinosis. Last evaluated: 2023-10-08. Review status: criteria provided, single submitter. Criteria: Ambry Variant Classification Scheme 2023. Collection method: clinical testing. Allele origin: germline.
Comment: The p.T993M variant (also known as c.2978C>T), located in coding exon 6 of the CASR gene, results from a C to T substitution at nucleotide position 2978. The threonine at codon 993 is replaced by methionine, an amino acid with similar properties. This amino acid position is conserved. In addition, this alteration is predicted to be tolerated by in silico analysis. Since supporting evidence is limited at this time, the clinical significance of this alteration remains unclear.

NM_000388.4(CASR):c.2978C>T (p.Thr993Met)

Gene: CASR (calcium sensing receptor; plus strand). Cytogenetic location: 3q21.1.
Variant type: single nucleotide variant.
Coding change: c.2978C>T on transcript NM_000388.4 (MANE Select); coding-DNA position 2978, C replaced by T.
Protein change: p.Thr993Met; replaces threonine 993 with methionine.
Molecular consequence: missense variant.
Genome position (GRCh38, 1-based): chr3:122,284,932, C>T. VCF-style: chr3-122284932-C-T. GRCh37 (hg19) VCF-style: chr3-122003779-C-T.
Other names: c.3008C>T, p.Thr1003Met (NM_001178065.2); short protein forms T993M, T1003M.
Identifiers: ClinVar variation 463941 (VCV000463941.11), dbSNP rs758227966, ClinGen allele CA2569901.